The following is an entry in ClinVar:

ClinVar aggregate classification (germline): Uncertain significance (1 of 4 stars; one submission).

Allele frequency attached by ClinVar (database versions not stated): gnomAD exomes below 0.00001; ExAC 0.00001; gnomAD 0.00002; TOPMed 0.00002; ESP Exome Variant Server 0.00008.
gnomAD v4.1: 4 of 1,613,534 alleles (0.00025%); highest among the groups gnomAD compares: African/African-American, 0.004%; no homozygotes.

Submission:

Labcorp Genetics (formerly Invitae), Labcorp
Classification: Uncertain significance. Last evaluated: 2022-10-13. Review status: criteria provided, single submitter. Criteria: Invitae Variant Classification Sherloc (09022015). Collection method: clinical testing. Allele origin: germline.
Comment: This sequence change replaces threonine, which is neutral and polar, with alanine, which is neutral and non-polar, at codon 104 of the KMT2E protein (p.Thr104Ala). This variant is present in population databases (rs375785054, gnomAD 0.01%). This variant has not been reported in the literature in individuals affected with KMT2E-related conditions. Advanced modeling of protein sequence and biophysical properties (such as structural, functional, and spatial information, amino acid conservation, physicochemical variation, residue mobility, and thermodynamic stability) performed at Invitae indicates that this missense variant is not expected to disrupt KMT2E protein function. In summary, the available evidence is currently insufficient to determine the role of this variant in disease. Therefore, it has been classified as a Variant of Uncertain Significance.

NM_182931.3(KMT2E):c.310A>G (p.Thr104Ala)

Gene: KMT2E (lysine methyltransferase 2E (inactive); plus strand). Cytogenetic location: 7q22.3.
Variant type: single nucleotide variant.
Coding change: c.310A>G on transcript NM_182931.3 (MANE Select); coding-DNA position 310, A replaced by G.
Protein change: p.Thr104Ala; replaces threonine 104 with alanine.
Molecular consequence: missense variant.
Genome position (GRCh38, 1-based): chr7:105,063,474, A>G. VCF-style: chr7-105063474-A-G. GRCh37 (hg19) VCF-style: chr7-104703921-A-G.
Other names: c.310A>G, p.Thr104Ala (NM_001410908.1, NM_018682.4); short protein forms T104A.
Identifiers: ClinVar variation 2144302 (VCV002144302.4), dbSNP rs375785054, ClinGen allele CA4423662.